The following is an entry in ClinVar:

NM_002471.4(MYH6):c.1960C>T (p.Arg654Trp)

Gene: MYH6 (myosin heavy chain 6; minus strand). Cytogenetic location: 14q11.2.
Variant type: single nucleotide variant.
Coding change: c.1960C>T on transcript NM_002471.4 (MANE Select); coding-DNA position 1960, C replaced by T.
Protein change: p.Arg654Trp; replaces arginine 654 with tryptophan.
Molecular consequence: missense variant.
Genome position (GRCh38, 1-based): chr14:23,397,545, G>A on the plus strand (C>T on the coding strand, the complement: MYH6 is on the minus strand). VCF-style: chr14-23397545-G-A. GRCh37 (hg19) VCF-style: chr14-23866754-G-A.
Other names: short protein forms R654W.
Identifiers: ClinVar variation 450490 (VCV000450490.15), dbSNP rs369938365, ClinGen allele CA7115653.

ClinVar aggregate classification (germline): Uncertain significance. Review status: criteria provided, multiple submitters, no conflicts (2 of 4 stars). 5 submissions from 5 submitters: Uncertain significance (5). Last evaluated 2025-10-18.

Conditions:
Cardiovascular phenotype. Identifiers: MedGen CN230736.
Hypertrophic cardiomyopathy 14. Identifiers: MedGen C2750467, MONDO:0013197, OMIM 613251.
Left ventricular noncompaction cardiomyopathy. Also called: left ventricular non-compaction cardiomyopathy. Identifiers: MedGen C4021133, HP:0011664.
Conduction system disorder. Also called: conduction system disease; Cardiac conduction disease; Cardiac conduction defect, nonspecific. Identifiers: MedGen C2748542, MONDO:0005449.

Allele frequency attached by ClinVar (database versions not stated): TOPMed 0.00002; gnomAD 0.00003.

Submissions (5):

Labcorp Genetics (formerly Invitae), Labcorp
Classification: Uncertain significance for Hypertrophic cardiomyopathy 14. Last evaluated: 2025-10-18. Review status: criteria provided, single submitter. Criteria: Invitae Variant Classification Sherloc (09022015). Collection method: clinical testing. Allele origin: germline.
Comment: This sequence change replaces arginine, which is basic and polar, with tryptophan, which is neutral and slightly polar, at codon 654 of the MYH6 protein (p.Arg654Trp). This variant is present in population databases (rs369938365, gnomAD 0.004%). This missense change has been observed in individual(s) with arrhythmia (PMID: 28491533). ClinVar contains an entry for this variant (Variation ID: 450490). An algorithm developed to predict the effect of missense changes on protein structure and function (PolyPhen-2) suggests that this variant is likely to be disruptive. In summary, the available evidence is currently insufficient to determine the role of this variant in disease. Therefore, it has been classified as a Variant of Uncertain Significance.

Ambry Genetics
Classification: Uncertain significance for Cardiovascular phenotype. Last evaluated: 2024-01-05. Review status: criteria provided, single submitter. Criteria: Ambry Variant Classification Scheme 2023. Collection method: clinical testing. Allele origin: germline.
Comment: The p.R654W variant (also known as c.1960C>T), located in coding exon 14 of the MYH6 gene, results from a C to T substitution at nucleotide position 1960. The arginine at codon 654 is replaced by tryptophan, an amino acid with dissimilar properties. This alteration has been detected in a sudden cardiac arrest survivor, and the variant segregated with sinus node dysfunction in that patient's three children (Lam L et al. HeartRhythm Case Rep, 2015 May;1:141-145). This amino acid position is highly conserved in available vertebrate species. In addition, this alteration is predicted to be deleterious by in silico analysis. Since supporting evidence is limited at this time, the clinical significance of this alteration remains unclear.

GeneDx
Classification: Uncertain significance. Last evaluated: 2023-12-18. Review status: criteria provided, single submitter. Criteria: GeneDx Variant Classification Process June 2021. Collection method: clinical testing. Allele origin: germline. Affected: yes.
Comment: In silico analysis supports that this missense variant has a deleterious effect on protein structure/function; This variant is associated with the following publications: (PMID: 35621855, 34697898, Iskenderov BG[article], 33868385, 28491533)

ARUP Laboratories, Molecular Genetics and Genomics, ARUP Laboratories
Classification: Uncertain significance. Last evaluated: 2023-08-31. Review status: criteria provided, single submitter. Criteria: ARUP Molecular Germline Variant Investigation Process 2024. Collection method: clinical testing. Allele origin: germline.
Comment: The MYH6 c.1960C>T; p.Arg654Trp variant (rs369938365) is reported in the literature in an individual affected with ventricular fibrillation and three children with sinus node dysfunction, although it was also reported in an unaffected relative (Lam 2015). This variant is found in the general population with an overall allele frequency of 0.002% (6/282,854 alleles) in the Genome Aggregation Database. Computational analyses predict that this variant is deleterious (REVEL: 0.815). However, due to limited information, the clinical significance of the p.Arg654Trp variant is uncertain at this time. References: Lam L et al. Exome sequencing identifies a novel mutation in the MYH6 gene in a family with early-onset sinus node dysfunction, ventricular arrhythmias, and cardiac arrest. HeartRhythm Case Rep. 2015 Apr 30;1(3):141-145. PMID: 28491533.

Agnes Ginges Centre for Molecular Cardiology, Centenary Institute
Classification: Uncertain significance for left ventricular non-compaction cardiomyopathy; conduction system disease. Last evaluated: 2018-09-28. Review status: criteria provided, single submitter. Criteria: ACMG Guidelines, 2015. Collection method: research. Allele origin: germline. Inheritance: Autosomal dominant inheritance. Affected: yes.
Comment: The MYH6 Arg654Trp variant has been identified previously by GeneDx in an infant with ventricular septal defect, left ventricular hypertrophy and heart failure, as well as an adult with ARVC (Pers. Comm). The variant is present at a low frequency in the Genome Aggregation Database (MAF=0.000018). In silico tools SIFT, PolyPhen2 and MutationTaster predict this variant to be deleterious. Based on the adapted ACMG guidelines (Kelly MA, et al., 2018), this variant is rare (PM2) and in silico tools predict it to be deleterious (PP3) therefore we classify MYH6 Arg654Trp as a variant of uncertain significance.

Literature cited by the submitters: PubMed 28491533 (cited by 3 submitters).